The following is an entry in ClinVar:

NM_001077418.3(TMEM231):c.-38T>C

Gene: TMEM231 (transmembrane protein 231; minus strand). Cytogenetic location: 16q23.1.
Variant type: single nucleotide variant.
Coding change: c.-38T>C on transcript NM_001077418.3 (MANE Select); 38 bases upstream of the start codon, T replaced by C.
Molecular consequence: 5 prime UTR variant. On other transcripts: missense variant (1), non-coding transcript variant (1).
Genome position (GRCh38, 1-based): chr16:75,556,247, A>G on the plus strand (T>C on the coding strand, the complement: TMEM231 is on the minus strand). VCF-style: chr16-75556247-A-G. GRCh37 (hg19) VCF-style: chr16-75590145-A-G.
Other names: c.25T>C, p.Trp9Arg (NM_001077416.2); short protein forms W9R.
Identifiers: ClinVar variation 1400272 (VCV001400272.6), dbSNP rs758946916, ClinGen allele CA2573152649.

ClinVar aggregate classification (germline): Uncertain significance (1 of 4 stars; one submission).

Conditions:
Meckel syndrome, type 11 (MKS11). Identifiers: Orphanet 564, MedGen C3809352, MONDO:0014164, OMIM 615397.
Joubert syndrome 20 (JBTS20). Identifiers: Orphanet 475, MedGen C3554235, MONDO:0013994, OMIM 614970.

gnomAD v4.1: 1 of 1,392,654 alleles (0.000072%); highest among the groups gnomAD compares: Non-Finnish European, 0.000093%; no homozygotes.

Submission:

Labcorp Genetics (formerly Invitae), Labcorp
Classification: Uncertain significance for Joubert syndrome 20; Meckel syndrome, type 11. Last evaluated: 2024-04-17. Review status: criteria provided, single submitter. Criteria: Invitae Variant Classification Sherloc (09022015). Collection method: clinical testing. Allele origin: germline.
Comment: This sequence change replaces tryptophan, which is neutral and slightly polar, with arginine, which is basic and polar, at codon 9 of the TMEM231 protein (p.Trp9Arg). This variant is not present in population databases (gnomAD no frequency). This variant has not been reported in the literature in individuals affected with TMEM231-related conditions. ClinVar contains an entry for this variant (Variation ID: 1400272). Experimental studies and prediction algorithms are not available or were not evaluated, and the functional significance of this variant is currently unknown. In summary, the available evidence is currently insufficient to determine the role of this variant in disease. Therefore, it has been classified as a Variant of Uncertain Significance.